The following is an entry in ClinVar:

ClinVar aggregate classification (germline): Conflicting classifications of pathogenicity. Review status: criteria provided, conflicting classifications (1 of 4 stars). 5 submissions from 5 submitters: Uncertain significance (2); Likely benign (3). Last evaluated 2024-07-09.

Conditions:
Hereditary cancer-predisposing syndrome. Also called: Hereditary Cancer Syndrome; Neoplastic Syndromes, Hereditary; Tumor predisposition; Hereditary neoplastic syndrome. Identifiers: Orphanet 140162, MedGen C0027672, MeSH D009386, MONDO:0015356.
Microcephaly, normal intelligence and immunodeficiency (NBS). Also called: BERLIN BREAKAGE SYNDROME; Ataxia telangiectasia variant V1; IMMUNODEFICIENCY, MICROCEPHALY, AND CHROMOSOMAL INSTABILITY; SEEMANOVA SYNDROME II; Nijmegen breakage syndrome; Microcephaly with normal intelligence immunodeficiency and lymphoreticular malignancies. Identifiers: Orphanet 647, MedGen C0398791, MONDO:0009623, OMIM 251260.

Allele frequency attached by ClinVar (database versions not stated): TOPMed below 0.00001; ExAC 0.00001; gnomAD exomes 0.00001.
gnomAD v4.1: 4 of 1,612,698 alleles (0.00025%); highest among the groups gnomAD compares: Admixed American, 0.0033%; no homozygotes.

Submissions (5):

Ambry Genetics
Classification: Uncertain significance for Hereditary cancer-predisposing syndrome. Last evaluated: 2024-07-09. Review status: criteria provided, single submitter. Criteria: Ambry Variant Classification Scheme 2023. Collection method: clinical testing. Allele origin: germline.
Comment: The c.38-5C>T intronic variant results from a C to T substitution 5 nucleotides upstream from coding exon 2 in the NBN gene. This nucleotide position is poorly conserved in available vertebrate species. In silico splice site analysis predicts that this alteration will not have any significant effect on splicing. Since supporting evidence is limited at this time, the clinical significance of this alteration remains unclear.

Labcorp Genetics (formerly Invitae), Labcorp
Classification: Likely benign for Microcephaly, normal intelligence and immunodeficiency. Last evaluated: 2024-01-05. Review status: criteria provided, single submitter. Criteria: Invitae Variant Classification Sherloc (09022015). Collection method: clinical testing. Allele origin: germline.

Sema4
Classification: Uncertain significance for Hereditary cancer-predisposing syndrome. Last evaluated: 2022-02-24. Review status: criteria provided, single submitter. Criteria: Sema4 Curation Guidelines. Collection method: curation. Allele origin: germline.
Comment: The NBN c.38-5C>T variant has not been reported in the literature to our knowledge. It was observed in 2/34578 chromosomes of the Latino subpopulation in the large and broad cohorts of the Genome Aggregation Database (PMID: 32461654). The variant has been reported in ClinVar (Variation ID: 231825). In silico tools suggest the variant does not have an impact on splicing though these predictions have not been confirmed by functional studies. The evidence is insufficient to meet ACMG/AMP criteria for classifying the variant as benign or pathogenic. Thus, the clinical significance of this variant is currently uncertain.

Genome-Nilou Lab
Classification: Likely benign for Microcephaly, normal intelligence and immunodeficiency. Last evaluated: 2021-11-07. Review status: criteria provided, single submitter. Criteria: ACMG Guidelines, 2015. Collection method: clinical testing. Allele origin: germline. Affected: no.

GeneDx
Classification: Likely benign. Last evaluated: 2015-12-18. Review status: criteria provided, single submitter. Criteria: GeneDx Variant Classification (06012015). Collection method: clinical testing. Allele origin: germline. Affected: yes.
Comment: This variant is considered likely benign or benign based on one or more of the following criteria: it is a conservative change, it occurs at a poorly conserved position in the protein, it is predicted to be benign by multiple in silico algorithms, and/or has population frequency not consistent with disease.

NM_002485.5(NBN):c.38-5C>T

Gene: NBN (nibrin; minus strand). Cytogenetic location: 8q21.3.
Variant type: single nucleotide variant.
Coding change: c.38-5C>T on transcript NM_002485.5 (MANE Select); 5 bases into the intron before coding-DNA position 38, C replaced by T.
Molecular consequence: intron variant.
Genome position (GRCh38, 1-based): chr8:89,982,860, G>A on the plus strand (C>T on the coding strand, the complement: NBN is on the minus strand). VCF-style: chr8-89982860-G-A. GRCh37 (hg19) VCF-style: chr8-90995088-G-A.
Other names: c.-259-5C>T (NM_001024688.3).
Identifiers: ClinVar variation 231825 (VCV000231825.23), dbSNP rs775244752, ClinGen allele CA4803067.
Genomic context (GRCh38, chr8:89,982,860, plus strand): 5'-ACAGTTTTTCCTTCCAACAACGTACTCAACGCCAGTCAAAAGTCTGTATGGTTCTCCTGA[G>A]ATAAATTTTTTTTTAAAAAAAGATAAGTTGATAGACACATACACATGTACACGAACACAC-3'